The following is an entry in ClinVar:

ClinVar aggregate classification (germline): Uncertain significance. Review status: criteria provided, multiple submitters, no conflicts (2 of 4 stars). 3 submissions from 3 submitters: Uncertain significance (3). Last evaluated 2025-11-13.

Conditions:
Inborn genetic diseases. Identifiers: MedGen C0950123, MeSH D030342.
Polycystic kidney disease, adult type (PKD1). Also called: POLYCYSTIC KIDNEY DISEASE, ADULT, TYPE I; Polycystic Kidney Disease 1, Autosomal Dominant; Polycystic kidney disease 1; Polycystic kidney disease 1, severe; Polycystic Kidney, Autosomal Dominant; POLYCYSTIC KIDNEY DISEASE 1 WITH OR WITHOUT POLYCYSTIC LIVER DISEASE. Identifiers: MedGen C3149841, MONDO:0008263, OMIM 173900.
Polycystic kidney disease. Also called: Kidney, Polycystic; Polycystic kidney dysplasia. Identifiers: MedGen C0022680, MeSH D007690, MONDO:0020642, HP:0000113.

Allele frequency attached by ClinVar (database versions not stated): ExAC 0.00003; gnomAD exomes 0.00004 and 0.00034; gnomAD 0.00009 and 0.00010.
gnomAD v4.1: 496 of 1,601,064 alleles (0.031%); highest among the groups gnomAD compares: Non-Finnish European, 0.041%; no homozygotes.

Submissions (3):

Ambry Genetics
Classification: Uncertain significance for Inborn genetic diseases. Last evaluated: 2025-11-13. Review status: criteria provided, single submitter. Criteria: Ambry Variant Classification Scheme 2023. Collection method: clinical testing. Allele origin: germline.
Comment: The c.1867A>C (p.S623R) alteration is located in exon 10 (coding exon 10) of the PKD1 gene. This alteration results from a A to C substitution at nucleotide position 1867, causing the serine (S) at amino acid position 623 to be replaced by an arginine (R). Based on data from gnomAD, the C allele has an overall frequency of 0.005% (12/254122) total alleles studied. The highest observed frequency was 0.019% (4/21132) of African alleles. Based on insufficient or conflicting evidence, the clinical significance of this alteration remains unclear.

Molecular Genetics, Royal Melbourne Hospital
Classification: Uncertain significance for Polycystic kidney disease. Last evaluated: 2024-11-04. Review status: criteria provided, single submitter. Criteria: ACMG Guidelines, 2015. Collection method: clinical testing. Allele origin: germline. Inheritance: Autosomal dominant inheritance. Affected: yes.
Comment: Based on the classification scheme RMH Modified ACMG/AMP Guidelines v1.7.0, this variant is classified as VOUS. Following criteria are met: BP4

Victorian Clinical Genetics Services, Murdoch Childrens Research Institute
Classification: Uncertain significance for Polycystic kidney disease, adult type. Last evaluated: 2023-07-17. Review status: criteria provided, single submitter. Criteria: ACMG Guidelines, 2015. Collection method: clinical testing. Allele origin: germline. Inheritance: Autosomal dominant inheritance. Affected: yes.
Comment: Based on the classification scheme VCGS_Germline_v1.3.4, this variant is classified as VUS-3C. Following criteria are met: 0102 - Loss of function is a known mechanism of disease in this gene and is associated with polycystic kidney disease 1 (MIM#173900). (I) 0107 - This gene is associated with autosomal dominant disease. Polycystic kidney disease 1 (MIM#173900) is predominantly caused by monoallelic variants, with rare reports of biallelic variants causing disease (OMIM). (I) 0200 - Variant is predicted to result in a missense amino acid change from serine to arginine. (I) 0251 - This variant is heterozygous. (I) 0302 - Variant is present in gnomAD <0.001 for a dominant condition (v2 and v3: 21 heterozygotes, 0 homozygotes). (SP) 0503 - Missense variant consistently predicted to be tolerated by multiple in silico tools or not conserved in placental mammals with a minor amino acid change. (SB) 0600 - Variant is located in the annotated polycystin cation channel domain (NCBI Conserved Domain). (I) 0705 - No comparable missense variants have previous evidence for pathogenicity. (I) 0809 - Previous evidence of pathogenicity for this variant is inconclusive. This variant has been observed in two adults with multiple renal cysts (VCGS). It has also been reported as a VUS by another clinical testing laboratory (ClinVar). (I) 0905 - No published segregation evidence has been identified for this variant. (I) 1007 - No published functional evidence has been identified for this variant. (I) 1208 - Inheritance information for this variant is not currently available in this individual. (I) Legend: (SP) - Supporting pathogenic, (I) - Information, (SB) - Supporting benign

NM_001009944.3(PKD1):c.1867A>C (p.Ser623Arg)

Gene: PKD1 (polycystin 1, transient receptor potential channel interacting; minus strand). Cytogenetic location: 16p13.3.
Variant type: single nucleotide variant.
Coding change: c.1867A>C on transcript NM_001009944.3 (MANE Select); coding-DNA position 1867, A replaced by C.
Protein change: p.Ser623Arg; replaces serine 623 with arginine.
Molecular consequence: missense variant.
Genome position (GRCh38, 1-based): chr16:2,115,608, T>G on the plus strand (A>C on the coding strand, the complement: PKD1 is on the minus strand). VCF-style: chr16-2115608-T-G. GRCh37 (hg19) VCF-style: chr16-2165609-T-G.
Other names: c.1867A>C, p.Ser623Arg (NM_000296.4); c.1867A>C (NM_000296.3); short protein forms S623R.
Identifiers: ClinVar variation 1699454 (VCV001699454.7), dbSNP rs750430411, ClinGen allele CA7833359.